The following is an entry in ClinVar:

ClinVar aggregate classification (germline): Benign/Likely benign. Review status: criteria provided, multiple submitters, no conflicts (2 of 4 stars). 4 submissions from 4 submitters: Benign (2); Likely benign (2). Last evaluated 2024-10-23.

Allele frequency attached by ClinVar (database versions not stated): TOPMed 0.00003; ESP Exome Variant Server 0.00008; ExAC 0.00039; 1000 Genomes Project 30x 0.00062; 1000 Genomes Project 0.00080.
gnomAD v4.1: 333 of 1,570,102 alleles (0.021%); highest among the groups gnomAD compares: South Asian, 0.29%; 3 homozygotes.

Submissions (4):

Blueprint Genetics
Classification: Likely benign. Last evaluated: 2024-10-23. Review status: criteria provided, single submitter. Criteria: ACMG Guidelines, 2015. Collection method: clinical testing. Allele origin: germline.

Labcorp Genetics (formerly Invitae), Labcorp
Classification: Benign. Last evaluated: 2024-09-22. Review status: criteria provided, single submitter. Criteria: Invitae Variant Classification Sherloc (09022015). Collection method: clinical testing. Allele origin: germline.

CeGaT Center for Human Genetics Tuebingen
Classification: Likely benign. Last evaluated: 2022-12-01. Review status: criteria provided, single submitter. Criteria: CeGaT Center For Human Genetics Tuebingen Variant Classification Criteria Version 2. Collection method: clinical testing. Allele origin: germline. Affected: yes. Observed: 1 variant allele.
Comment: ARHGEF1: BP4, BP7

Breakthrough Genomics
Classification: Benign. Review status: criteria provided, single submitter. Criteria: ACMG Guidelines, 2015. Collection method: not provided. Allele origin: germline. Inheritance: Autosomal recessive inheritance. Affected: yes.

NM_004706.4(ARHGEF1):c.768C>T (p.Asp256=)

Gene: ARHGEF1 (Rho guanine nucleotide exchange factor 1; plus strand). Cytogenetic location: 19q13.2.
Variant type: single nucleotide variant.
Coding change: c.768C>T on transcript NM_004706.4 (MANE Select); coding-DNA position 768, C replaced by T.
Protein change: p.Asp256=; no amino-acid change (aspartic acid 256 retained).
Molecular consequence: synonymous variant.
Genome position (GRCh38, 1-based): chr19:41,894,474, C>T. VCF-style: chr19-41894474-C-T. GRCh37 (hg19) VCF-style: chr19-42398547-C-T.
Other names: c.669C>T, p.Asp223= (NM_198977.2); c.813C>T, p.Asp271= (NM_199002.2).
Identifiers: ClinVar variation 1674457 (VCV001674457.34), dbSNP rs202000253, ClinGen allele CA9466059.
Genomic context (GRCh38, chr19:41,894,474, plus strand): 5'-GATGCTTAGCCTGGTCTTCCTCCCCGCCCTCTCACAGGTGATGGGGAACCGGCGGTCGGA[C>T]GAGCCTGCCAAGACCAAGAAGGGGCTGAGCAGCATCCTGGATGCCGCCCGCTGGAACCGG-3'
Protein context (NP_004697.2, residues 246-266): RKKVMGNRRS[Asp256=]EPAKTKKGLS